The following is an entry in ClinVar:

ClinVar aggregate classification (germline): Pathogenic (1 of 4 stars; one submission).

Conditions:
Becker muscular dystrophy (BMD). Also called: MUSCULAR DYSTROPHY, PSEUDOHYPERTROPHIC PROGRESSIVE, BECKER TYPE; Becker Muscular Dystrophy (BMD). Identifiers: Orphanet 98895, MedGen C0917713, MONDO:0010311, OMIM 300376.
Duchenne muscular dystrophy (DMD). Also called: MUSCULAR DYSTROPHY, PSEUDOHYPERTROPHIC PROGRESSIVE, DUCHENNE TYPE; Duchenne Muscular Dystrophy (DMD). Identifiers: Orphanet 98896, MedGen C0013264, MONDO:0010679, OMIM 310200.

Submission:

Hunan Provincial Maternal and Child Health Care Hospital
Classification: Pathogenic for Duchenne muscular dystrophy; Becker muscular dystrophy. Last evaluated: 2024-07-01. Review status: criteria provided, single submitter. Criteria: ACMG/ClinGen CNV Guidelines, 2019. Collection method: clinical testing. Allele origin: maternal. Inheritance: X-linked recessive inheritance.
Comment: This is a copy-number gain at Xp21.1 (GRCh37: g.31614608_31658813dup) involving exon 55 of the DMD gene (OMIM: 300377; NM_000109). Intragenic DMD duplications, including those affecting exon 55, are known to cause Duchenne/Becker muscular dystrophy. Based on ACMG/ClinGen CNV guidelines and supporting familial evidence, this variant is classified as Pathogenic.

GRCh37/hg19 Xp21.1(chrX:31614608-31658813)x2

Gene: DMD (dystrophin; minus strand). Cytogenetic location: Xp21.1.
Variant type: copy number gain.
Change: copy number 2 of chrX:31,614,608-31,658,813 (44.2 kb, GRCh37 coordinates, 1-based), cytogenetic band Xp21.1.
Identifiers: ClinVar variation 4277356 (VCV004277356.1).